The following is an entry in ClinVar:

NM_017636.4(TRPM4):c.2387T>C (p.Leu796Pro)

Gene: TRPM4 (transient receptor potential cation channel subfamily M member 4; plus strand). Cytogenetic location: 19q13.33.
Variant type: single nucleotide variant.
Coding change: c.2387T>C on transcript NM_017636.4 (MANE Select); coding-DNA position 2387, T replaced by C.
Protein change: p.Leu796Pro; replaces leucine 796 with proline.
Molecular consequence: missense variant. On other transcripts: intron variant (1).
Genome position (GRCh38, 1-based): chr19:49,196,616, T>C. VCF-style: chr19-49196616-T-C. GRCh37 (hg19) VCF-style: chr19-49699873-T-C.
Other names: c.2042T>C, p.Leu681Pro (NM_001321281.2); c.779T>C, p.Leu260Pro (NM_001321282.2); c.1865T>C, p.Leu622Pro (NM_001321283.2); c.1325T>C, p.Leu442Pro (NM_001321285.2); c.2211-3684T>C (NM_001195227.2); c.2387T>C (NM_017636.3); short protein forms L260P, L796P, L442P, L622P, L681P.
Identifiers: ClinVar variation 2716405 (VCV002716405.4), dbSNP rs1191927360, ClinGen allele CA406809095.

ClinVar aggregate classification (germline): Uncertain significance. Review status: criteria provided, multiple submitters, no conflicts (2 of 4 stars). 2 submissions from 2 submitters: Uncertain significance (2). Last evaluated 2025-09-23.

Conditions:
Progressive familial heart block type IB (PFHB1B). Identifiers: Orphanet 871, MedGen C1970298, MONDO:0011474, OMIM 604559.
Cardiovascular phenotype. Identifiers: MedGen CN230736.

Allele frequency attached by ClinVar (database versions not stated): gnomAD exomes below 0.00001; TOPMed below 0.00001.
gnomAD v4.1: 2 of 1,554,190 alleles (0.00013%); highest among the groups gnomAD compares: Admixed American, 0.0019%; no homozygotes.

Submissions (2):

Ambry Genetics
Classification: Uncertain significance for Cardiovascular phenotype. Last evaluated: 2025-09-23. Review status: criteria provided, single submitter. Criteria: Ambry Variant Classification Scheme 2023. Collection method: clinical testing. Allele origin: germline.
Comment: The p.L796P variant (also known as c.2387T>C), located in coding exon 17 of the TRPM4 gene, results from a T to C substitution at nucleotide position 2387. The leucine at codon 796 is replaced by proline, an amino acid with similar properties. This variant was reported in an individual with sudden cardiac arrest (Asatryan B et al. Am J Cardiol. 2019 Jun;123(12):2031-2038). This amino acid position is highly conserved in available vertebrate species. In addition, this alteration is predicted to be deleterious by in silico analysis. Based on the available evidence, the clinical significance of this variant remains unclear.

Labcorp Genetics (formerly Invitae), Labcorp
Classification: Uncertain significance for Progressive familial heart block type IB. Last evaluated: 2024-08-15. Review status: criteria provided, single submitter. Criteria: Invitae Variant Classification Sherloc (09022015). Collection method: clinical testing. Allele origin: germline.
Comment: This sequence change replaces leucine, which is neutral and non-polar, with proline, which is neutral and non-polar, at codon 796 of the TRPM4 protein (p.Leu796Pro). The frequency data for this variant in the population databases is considered unreliable, as metrics indicate poor data quality at this position in the gnomAD database. This missense change has been observed in individual(s) with sudden cardiac arrest (PMID: 30975432, 37227348). An algorithm developed to predict the effect of missense changes on protein structure and function (PolyPhen-2) suggests that this variant is likely to be tolerated. In summary, the available evidence is currently insufficient to determine the role of this variant in disease. Therefore, it has been classified as a Variant of Uncertain Significance.

Literature cited by the submitters: PubMed 30975432 (cited by Ambry Genetics and Labcorp Genetics (formerly Invitae), Labcorp); PubMed 37227348 (cited by Labcorp Genetics (formerly Invitae), Labcorp).